The following is an entry in ClinVar:

ClinVar aggregate classification (germline): Uncertain significance (1 of 4 stars; one submission).

Conditions:
Trichorhinophalangeal dysplasia type I (TRPS1). Also called: TRPS I; TRICHORHINOPHALANGEAL SYNDROME, TYPE I. Identifiers: Orphanet 77258, MedGen C0432233, MONDO:0008596, OMIM 190350.
Trichorhinophalangeal syndrome, type III (TRPS3). Also called: SUGIO-KAJII SYNDROME. Identifiers: Orphanet 77258, MedGen C1860823, OMIM 190351, MONDO:0008597.

gnomAD v4.1: 97 of 1,614,048 alleles (0.006%); highest among the groups gnomAD compares: Non-Finnish European, 0.0077%; no homozygotes.

Submissions (2):

Labcorp Genetics (formerly Invitae), Labcorp
Classification: Uncertain significance for Trichorhinophalangeal syndrome, type III; Trichorhinophalangeal dysplasia type I. Last evaluated: 2025-04-17. Review status: criteria provided, single submitter. Criteria: Invitae Variant Classification Sherloc (09022015). Collection method: clinical testing. Allele origin: germline.
Comment: This sequence change replaces serine, which is neutral and polar, with tyrosine, which is neutral and polar, at codon 876 of the TRPS1 protein (p.Ser876Tyr). This variant is present in population databases (rs751298577, gnomAD 0.004%). This variant has not been reported in the literature in individuals affected with TRPS1-related conditions. ClinVar contains an entry for this variant (Variation ID: 2150394). Invitae Evidence Modeling of protein sequence and biophysical properties (such as structural, functional, and spatial information, amino acid conservation, physicochemical variation, residue mobility, and thermodynamic stability) indicates that this missense variant is not expected to disrupt TRPS1 protein function with a negative predictive value of 80%. In summary, the available evidence is currently insufficient to determine the role of this variant in disease. Therefore, it has been classified as a Variant of Uncertain Significance.

Dr. Peter K. Rogan Lab, Western University
No classification provided (evidence only). Condition: Ovarian serous cystadenocarcinoma. Review status: no classification provided. Collection method: in vitro. Allele origin: not applicable. Functional consequence: retained intron. Not counted in ClinVar's aggregate classification.

NM_014112.5(TRPS1):c.2627C>A (p.Ser876Tyr)

Gene: TRPS1 (transcriptional repressor GATA binding 1; minus strand). Cytogenetic location: 8q23.3.
Variant type: single nucleotide variant.
Coding change: c.2627C>A on transcript NM_014112.5 (MANE Select); coding-DNA position 2627, C replaced by A.
Protein change: p.Ser876Tyr; replaces serine 876 with tyrosine.
Molecular consequence: missense variant.
Genome position (GRCh38, 1-based): chr8:115,587,074, G>T on the plus strand (C>A on the coding strand, the complement: TRPS1 is on the minus strand). VCF-style: chr8-115587074-G-T. GRCh37 (hg19) VCF-style: chr8-116599301-G-T.
Other names: c.2600C>A, p.Ser867Tyr (NM_001282902.3); c.2606C>A, p.Ser869Tyr (NM_001282903.3); c.2588C>A, p.Ser863Tyr (NM_001330599.2); short protein forms S863Y, S867Y, S876Y, S869Y.
Identifiers: ClinVar variation 2150394 (VCV002150394.5), dbSNP rs751298577, ClinGen allele CA4851621.